The following is an entry in ClinVar:

NM_017636.4(TRPM4):c.601A>G (p.Ile201Val)

Gene: TRPM4 (transient receptor potential cation channel subfamily M member 4; plus strand). Cytogenetic location: 19q13.33.
Variant type: single nucleotide variant.
Coding change: c.601A>G on transcript NM_017636.4 (MANE Select); coding-DNA position 601, A replaced by G.
Protein change: p.Ile201Val; replaces isoleucine 201 with valine.
Molecular consequence: missense variant. On other transcripts: 5 prime UTR variant (1), intron variant (2).
Genome position (GRCh38, 1-based): chr19:49,168,412, A>G. VCF-style: chr19-49168412-A-G. GRCh37 (hg19) VCF-style: chr19-49671669-A-G.
Other names: c.601A>G, p.Ile201Val (NM_001195227.2); c.-953A>G (NM_001321282.2); c.79A>G, p.Ile27Val (NM_001321283.2); c.268-141A>G (NM_001321281.2); c.-237-141A>G (NM_001321285.2); short protein forms I201V, I27V.
Identifiers: ClinVar variation 2632150 (VCV002632150.1), dbSNP rs1967317100, ClinGen allele CA406791837.

ClinVar aggregate classification (germline): Uncertain significance (1 of 4 stars; one submission).

Conditions:
TRPM4-related disorder. Also called: TRPM4-related condition; TRPM4-related disorders. Identifiers: MedGen CN239424.

Allele frequency attached by ClinVar (database versions not stated): gnomAD 0.00001.
gnomAD v4.1: 1 of 1,613,866 alleles (0.000062%); highest among the groups gnomAD compares: African/African-American, 0.0013%; no homozygotes.

Submission:

PreventionGenetics, part of Exact Sciences
Classification: Uncertain significance for TRPM4-related condition. Last evaluated: 2023-06-12. Review status: criteria provided, single submitter. Criteria: ACMG Guidelines, 2015. Collection method: clinical testing. Allele origin: germline.
Comment: The TRPM4 c.601A>G variant is predicted to result in the amino acid substitution p.Ile201Val. To our knowledge, this variant has not been reported in the literature or in a large population database, indicating this variant is rare. At this time, the clinical significance of this variant is uncertain due to the absence of conclusive functional and genetic evidence.